The following is an entry in ClinVar:

ClinVar aggregate classification (germline): Conflicting classifications of pathogenicity. Review status: criteria provided, conflicting classifications (1 of 4 stars). 3 submissions from 3 submitters: Uncertain significance (1); Likely benign (1). 1 of the submissions does not count toward it. Last evaluated 2023-11-03.

Conditions:
CIITA-related disorder. Also called: CIITA-related condition.
MHC class II deficiency. Also called: Bare lymphocyte syndrome 2; BLS, TYPE II. Identifiers: Orphanet 572, MedGen C5447452, MONDO:0008855.
Inborn genetic diseases. Identifiers: MedGen C0950123, MeSH D030342.

Allele frequency attached by ClinVar (database versions not stated): gnomAD 0.00003 and 0.00007; TOPMed 0.00009; ExAC 0.00017.
gnomAD v4.1: 143 of 1,614,204 alleles (0.0089%); highest among the groups gnomAD compares: South Asian, 0.13%; 1 homozygote.

Submissions (3):

Ambry Genetics
Classification: Likely benign for Inborn genetic diseases. Last evaluated: 2023-11-03. Review status: criteria provided, single submitter. Criteria: Ambry Variant Classification Scheme 2023. Collection method: clinical testing. Allele origin: germline.

Labcorp Genetics (formerly Invitae), Labcorp
Classification: Uncertain significance for MHC class II deficiency. Last evaluated: 2022-08-16. Review status: criteria provided, single submitter. Criteria: Invitae Variant Classification Sherloc (09022015). Collection method: clinical testing. Allele origin: germline.
Comment: This sequence change replaces alanine, which is neutral and non-polar, with threonine, which is neutral and polar, at codon 702 of the CIITA protein (p.Ala702Thr). This variant is present in population databases (rs760410085, gnomAD 0.1%). This variant has not been reported in the literature in individuals affected with CIITA-related conditions. ClinVar contains an entry for this variant (Variation ID: 858088). Algorithms developed to predict the effect of missense changes on protein structure and function output the following: SIFT: "Tolerated"; PolyPhen-2: "Benign"; Align-GVGD: "Class C0". The threonine amino acid residue is found in multiple mammalian species, which suggests that this missense change does not adversely affect protein function. In summary, the available evidence is currently insufficient to determine the role of this variant in disease. Therefore, it has been classified as a Variant of Uncertain Significance.

PreventionGenetics, part of Exact Sciences
Classification: Likely benign for CIITA-related condition. Last evaluated: 2024-09-11. Review status: no assertion criteria provided. Collection method: clinical testing. Allele origin: germline. Not counted in ClinVar's aggregate classification.
Comment: This variant is classified as likely benign based on ACMG/AMP sequence variant interpretation guidelines (Richards et al. 2015 PMID: 25741868, with internal and published modifications).

NM_000246.4(CIITA):c.2104G>A (p.Ala702Thr)

Gene: CIITA (class II major histocompatibility complex transactivator; plus strand). Cytogenetic location: 16p13.13.
Variant type: single nucleotide variant.
Coding change: c.2104G>A on transcript NM_000246.4 (MANE Select); coding-DNA position 2104, G replaced by A.
Protein change: p.Ala702Thr; replaces alanine 702 with threonine.
Molecular consequence: missense variant. On other transcripts: intron variant (1).
Genome position (GRCh38, 1-based): chr16:10,907,596, G>A. VCF-style: chr16-10907596-G-A. GRCh37 (hg19) VCF-style: chr16-11001453-G-A.
Other names: c.2107G>A, p.Ala703Thr (NM_001286402.1, NM_001379332.1); c.1960G>A, p.Ala654Thr (NM_001379330.1); c.1957G>A, p.Ala653Thr (NM_001379331.1); c.2104G>A, p.Ala702Thr (NM_001379333.1); c.2035G>A, p.Ala679Thr (NM_001379334.1); c.860-1387G>A (NM_001286403.2); short protein forms A702T, A703T, A653T, A654T, A679T.
Identifiers: ClinVar variation 858088 (VCV000858088.4), dbSNP rs760410085, ClinGen allele CA7900299.